The following is an entry in ClinVar:

NM_006445.4(PRPF8):c.693A>G (p.Thr231=)

Gene: PRPF8 (pre-mRNA processing factor 8; minus strand). Cytogenetic location: 17p13.3.
Variant type: single nucleotide variant.
Coding change: c.693A>G on transcript NM_006445.4 (MANE Select); coding-DNA position 693, A replaced by G.
Protein change: p.Thr231=; no amino-acid change (threonine 231 retained).
Molecular consequence: synonymous variant.
Genome position (GRCh38, 1-based): chr17:1,681,651, T>C on the plus strand (A>G on the coding strand, the complement: PRPF8 is on the minus strand). VCF-style: chr17-1681651-T-C. GRCh37 (hg19) VCF-style: chr17-1584945-T-C.
Identifiers: ClinVar variation 2647190 (VCV002647190.26), dbSNP rs562869642, ClinGen allele CA8272557.

ClinVar aggregate classification (germline): Likely benign. Review status: criteria provided, multiple submitters, no conflicts (2 of 4 stars). 2 submissions from 2 submitters: Likely benign (2). Last evaluated 2024-12-12.

Allele frequency attached by ClinVar (database versions not stated): gnomAD 0.00001; gnomAD exomes 0.00001; TOPMed 0.00001; ExAC 0.00006; 1000 Genomes Project 30x 0.00016; 1000 Genomes Project 0.00020.
gnomAD v4.1: 19 of 1,614,106 alleles (0.0012%); highest among the groups gnomAD compares: South Asian, 0.018%; 2 homozygotes.

Submissions (2):

Labcorp Genetics (formerly Invitae), Labcorp
Classification: Likely benign. Last evaluated: 2024-12-12. Review status: criteria provided, single submitter. Criteria: Invitae Variant Classification Sherloc (09022015). Collection method: clinical testing. Allele origin: germline.

CeGaT Center for Human Genetics Tuebingen
Classification: Likely benign. Last evaluated: 2023-04-01. Review status: criteria provided, single submitter. Criteria: CeGaT Center For Human Genetics Tuebingen Variant Classification Criteria Version 2. Collection method: clinical testing. Allele origin: germline. Affected: yes. Observed: 1 variant allele.
Comment: PRPF8: BP4, BP7